The following is an entry in ClinVar:

ClinVar aggregate classification (germline): Uncertain significance (1 of 4 stars; one submission).

Submission:

Labcorp Genetics (formerly Invitae), Labcorp
Classification: Uncertain significance. Last evaluated: 2024-01-08. Review status: criteria provided, single submitter. Criteria: Invitae Variant Classification Sherloc (09022015). Collection method: clinical testing. Allele origin: germline.
Comment: This sequence change replaces histidine, which is basic and polar, with arginine, which is basic and polar, at codon 2203 of the ATR protein (p.His2203Arg). This variant is not present in population databases (gnomAD no frequency). This variant has not been reported in the literature in individuals affected with ATR-related conditions. Algorithms developed to predict the effect of missense changes on protein structure and function output the following: SIFT: "Not Available"; PolyPhen-2: "Benign"; Align-GVGD: "Not Available". The arginine amino acid residue is found in multiple mammalian species, which suggests that this missense change does not adversely affect protein function. In summary, the available evidence is currently insufficient to determine the role of this variant in disease. Therefore, it has been classified as a Variant of Uncertain Significance.

NM_001184.4(ATR):c.6608A>G (p.His2203Arg)

Gene: ATR (ATR checkpoint kinase; minus strand). Cytogenetic location: 3q23.
Variant type: single nucleotide variant.
Coding change: c.6608A>G on transcript NM_001184.4 (MANE Select); coding-DNA position 6608, A replaced by G.
Protein change: p.His2203Arg; replaces histidine 2203 with arginine.
Molecular consequence: missense variant.
Genome position (GRCh38, 1-based): chr3:142,468,013, T>C on the plus strand (A>G on the coding strand, the complement: ATR is on the minus strand). VCF-style: chr3-142468013-T-C. GRCh37 (hg19) VCF-style: chr3-142186855-T-C.
Other names: c.6416A>G, p.His2139Arg (NM_001354579.2); short protein forms H2203R, H2139R.
Identifiers: ClinVar variation 2892365 (VCV002892365.3), dbSNP rs2108276085, ClinGen allele CA354803587.